The following is an entry in ClinVar:

ClinVar aggregate classification (germline): Uncertain significance (1 of 4 stars; one submission).

Conditions:
46 XY differences of sex development. Also called: 46, XY disorder of sex development (DSD); 46,XY disorder of sex development. Identifiers: Orphanet 98085, MedGen C2751824, MONDO:0020040.
Oligosynaptic infertility (SPGF1). Also called: SPERMATOGENIC FAILURE 1; OLIGOCHIASMATIC INFERTILITY. Identifiers: MedGen C0403810, MONDO:0009776, OMIM 258150.

Allele frequency attached by ClinVar (database versions not stated): gnomAD exomes below 0.00001.
gnomAD v4.1: 1 of 1,577,122 alleles (0.000063%); highest among the groups gnomAD compares: Non-Finnish European, 0.000086%; no homozygotes.

Submission:

Labcorp Genetics (formerly Invitae), Labcorp
Classification: Uncertain significance for 46 XY differences of sex development; Oligosynaptic infertility. Last evaluated: 2022-08-19. Review status: criteria provided, single submitter. Criteria: Invitae Variant Classification Sherloc (09022015). Collection method: clinical testing. Allele origin: germline.
Comment: In summary, the available evidence is currently insufficient to determine the role of this variant in disease. Therefore, it has been classified as a Variant of Uncertain Significance. This sequence change replaces alanine, which is neutral and non-polar, with threonine, which is neutral and polar, at codon 82 of the NR5A1 protein (p.Ala82Thr). This variant also falls at the last nucleotide of exon 3, which is part of the consensus splice site for this exon. This variant is not present in population databases (gnomAD no frequency). This missense change has been observed in individual(s) with 46,XY disorders of sex development (PMID: 32985417). This variant is also known as p.E81K. Algorithms developed to predict the effect of missense changes on protein structure and function are either unavailable or do not agree on the potential impact of this missense change (SIFT: "Deleterious"; PolyPhen-2: "Probably Damaging"; Align-GVGD: "Class C0"). Variants that disrupt the consensus splice site are a relatively common cause of aberrant splicing (PMID: 17576681, 9536098). Algorithms developed to predict the effect of sequence changes on RNA splicing suggest that this variant may disrupt the consensus splice site.

Literature cited by the submitters: PubMed 32985417; PubMed 17576681; PubMed 9536098.

NM_004959.5(NR5A1):c.244G>A (p.Ala82Thr)

Gene: NR5A1 (nuclear receptor subfamily 5 group A member 1; minus strand). Cytogenetic location: 9q33.3.
Variant type: single nucleotide variant.
Coding change: c.244G>A on transcript NM_004959.5 (MANE Select); coding-DNA position 244, G replaced by A.
Protein change: p.Ala82Thr; replaces alanine 82 with threonine.
Molecular consequence: missense variant.
Genome position (GRCh38, 1-based): chr9:124,503,079, C>T on the plus strand (G>A on the coding strand, the complement: NR5A1 is on the minus strand). VCF-style: chr9-124503079-C-T. GRCh37 (hg19) VCF-style: chr9-127265358-C-T.
Other names: short protein forms A82T.
Identifiers: ClinVar variation 2098559 (VCV002098559.4), dbSNP rs2538687051, ClinGen allele CA374890044.